The following is an entry in ClinVar:

NM_006005.3(WFS1):c.934A>G (p.Met312Val)

Gene: WFS1 (wolframin ER transmembrane glycoprotein; plus strand). Cytogenetic location: 4p16.1.
Variant type: single nucleotide variant.
Coding change: c.934A>G on transcript NM_006005.3 (MANE Select); coding-DNA position 934, A replaced by G.
Protein change: p.Met312Val; replaces methionine 312 with valine.
Molecular consequence: missense variant.
Genome position (GRCh38, 1-based): chr4:6,300,729, A>G. VCF-style: chr4-6300729-A-G. GRCh37 (hg19) VCF-style: chr4-6302456-A-G.
Other names: c.934A>G, p.Met312Val (NM_001145853.1); short protein forms M312V.
Identifiers: ClinVar variation 1429760 (VCV001429760.8), dbSNP rs544450962, ClinGen allele CA91796211.

ClinVar aggregate classification (germline): Uncertain significance. Review status: criteria provided, multiple submitters, no conflicts (2 of 4 stars). 3 submissions from 3 submitters: Uncertain significance (3). Last evaluated 2025-10-08.

Conditions:
Cataract 41 (CTRCT41). Also called: CATARACT 41, CONGENITAL NUCLEAR TYPE. Identifiers: Orphanet 91492, Orphanet 98991, Orphanet 98992, Orphanet 98995, MedGen C3805412, MONDO:0007287, OMIM 116400.
Wolfram syndrome 1 (WFS1). Identifiers: Orphanet 3463, MedGen C4551693, MONDO:0009101, OMIM 222300.
Wolfram-like syndrome. Also called: HEARING LOSS, PROGRESSIVE, WITH OPTIC ATROPHY AND/OR IMPAIRED GLUCOSE REGULATION. Identifiers: Orphanet 411590, MedGen C3280358, MONDO:0013673, OMIM 614296.
Type 2 diabetes mellitus. Also called: Type II diabetes mellitus. Identifiers: MedGen C0011860, MeSH D003924, MONDO:0005148, OMIM 125853, HP:0005978.
Autosomal dominant nonsyndromic hearing loss 6 (LFSNHL). Also called: DEAFNESS, AUTOSOMAL DOMINANT 14; DEAFNESS, AUTOSOMAL DOMINANT 38; Autosomal dominant nonsyndromic deafness 6; DEAFNESS, AUTOSOMAL DOMINANT 6. Identifiers: Orphanet 90635, MedGen C1833021, MONDO:0010963, OMIM 600965.

Allele frequency attached by ClinVar (database versions not stated): TOPMed 0.00001.

Submissions (3):

Labcorp Genetics (formerly Invitae), Labcorp
Classification: Uncertain significance. Last evaluated: 2025-10-08. Review status: criteria provided, single submitter. Criteria: Invitae Variant Classification Sherloc (09022015). Collection method: clinical testing. Allele origin: germline.
Comment: This sequence change replaces methionine, which is neutral and non-polar, with valine, which is neutral and non-polar, at codon 312 of the WFS1 protein (p.Met312Val). This variant is not present in population databases (gnomAD no frequency). This variant has not been reported in the literature in individuals affected with WFS1-related conditions. ClinVar contains an entry for this variant (Variation ID: 1429760). Invitae Evidence Modeling of protein sequence and biophysical properties (such as structural, functional, and spatial information, amino acid conservation, physicochemical variation, residue mobility, and thermodynamic stability) indicates that this missense variant is not expected to disrupt WFS1 protein function with a negative predictive value of 95%. In summary, the available evidence is currently insufficient to determine the role of this variant in disease. Therefore, it has been classified as a Variant of Uncertain Significance.

Fulgent Genetics
Classification: Uncertain significance for Cataract 41; Type 2 diabetes mellitus; Wolfram syndrome 1; Autosomal dominant nonsyndromic hearing loss 6; Wolfram-like syndrome. Last evaluated: 2024-04-25. Review status: criteria provided, single submitter. Criteria: ACMG Guidelines, 2015. Collection method: clinical testing. Allele origin: germline.

Blueprint Genetics
Classification: Uncertain significance. Last evaluated: 2018-08-14. Review status: criteria provided, single submitter. Criteria: ACMG Guidelines, 2015. Collection method: clinical testing. Allele origin: germline.